The following is an entry in ClinVar:

NM_020686.6(ABAT):c.*2567C>G

Gene: ABAT (4-aminobutyrate aminotransferase; plus strand). Cytogenetic location: 16p13.2.
Variant type: single nucleotide variant.
Coding change: c.*2567C>G on transcript NM_020686.6 (MANE Select); 2567 bases downstream of the stop codon, C replaced by G.
Molecular consequence: 3 prime UTR variant.
Genome position (GRCh38, 1-based): chr16:8,783,997, C>G. VCF-style: chr16-8783997-C-G. GRCh37 (hg19) VCF-style: chr16-8877854-C-G.
Other names: c.*2567C>G (NM_000663.5, NM_001127448.2, NM_001386600.1 and 14 more transcripts); c.*2581C>G (NM_001386609.1, NM_001386616.1).
Identifiers: ClinVar variation 321145 (VCV000321145.6), dbSNP rs12597124, ClinGen allele CA10648244.

ClinVar aggregate classification (germline): Benign. Review status: criteria provided, multiple submitters, no conflicts (2 of 4 stars). 2 submissions from 2 submitters: Benign (2). Last evaluated 2018-01-12.

Conditions:
Gamma-aminobutyric acid transaminase deficiency (GABATD). Also called: GABA aminotransaminase deficiency; GABA transaminase deficiency; Gamma aminobutyrate transaminase deficiency; 4 alpha aminobutyrate transaminase deficiency. Identifiers: Orphanet 2066, MedGen C0342708, MONDO:0013166, OMIM 613163.

Allele frequency attached by ClinVar (database versions not stated): 1000 Genomes Project 30x 0.60009; 1000 Genomes Project 0.60543; TOPMed 0.61492; gnomAD 0.62254 and 0.62256; gnomAD exomes 1.00000.
gnomAD v4.1: 94,775 of 152,060 alleles (62%); highest among the groups gnomAD compares: Middle Eastern, 71%; 29,773 homozygotes.

Submissions (2):

Illumina Laboratory Services, Illumina
Classification: Benign for Gamma-aminobutyric acid transaminase deficiency. Last evaluated: 2018-01-12. Review status: criteria provided, single submitter. Criteria: ICSL Variant Classification Criteria 13 December 2019. Collection method: clinical testing. Allele origin: germline.
Comment: This variant was observed in the ICSL laboratory as part of a predisposition screen in an ostensibly healthy population. It had not been previously curated by ICSL or reported in the Human Gene Mutation Database (HGMD: prior to June 1st, 2018), and was therefore a candidate for classification through an automated scoring system. Utilizing variant allele frequency, disease prevalence and penetrance estimates, and inheritance mode, an automated score was calculated to assess if this variant is too frequent to cause the disease. Based on the score and internal cut-off values, a variant classified as benign is not then subjected to further curation. The score for this variant resulted in a classification of benign for this disease.

Breakthrough Genomics
Classification: Benign. Review status: criteria provided, single submitter. Criteria: ACMG Guidelines, 2015. Collection method: not provided. Allele origin: germline. Inheritance: Autosomal recessive inheritance. Affected: yes.